The following is an entry in ClinVar:

NM_007194.4(CHEK2):c.633T>C (p.Val211=)

Gene: CHEK2 (checkpoint kinase 2; minus strand). Cytogenetic location: 22q12.1.
Variant type: single nucleotide variant.
Coding change: c.633T>C on transcript NM_007194.4 (MANE Select); coding-DNA position 633, T replaced by C.
Protein change: p.Val211=; no amino-acid change (valine 211 retained).
Molecular consequence: synonymous variant. On other transcripts: 5 prime UTR variant (2), intron variant (1).
Genome position (GRCh38, 1-based): chr22:28,719,445, A>G on the plus strand (T>C on the coding strand, the complement: CHEK2 is on the minus strand). VCF-style: chr22-28719445-A-G. GRCh37 (hg19) VCF-style: chr22-29115433-A-G.
Other names: c.762T>C, p.Val254= (NM_001005735.3, NM_001438294.1); c.-31T>C (NM_001257387.3, NM_001437942.1); c.726T>C, p.Val242= (NM_001438293.1, NM_001438295.1); c.633T>C, p.Val211= (NM_145862.3); c.482+5441T>C (NM_001349956.3).
Identifiers: ClinVar variation 630923 (VCV000630923.15), dbSNP rs1555924460, ClinGen allele CA10167927.

ClinVar aggregate classification (germline): Benign/Likely benign. Review status: criteria provided, multiple submitters, no conflicts (2 of 4 stars). 5 submissions from 5 submitters: Benign (1); Likely benign (4). Last evaluated 2025-11-25.

Conditions:
Hereditary nonpolyposis colon cancer (HNPCC). Also called: Hereditary nonpolyposis colorectal cancer; Familial nonpolyposis colon cancer; Hereditary Nonpolyposis Colorectal Cancer Syndrome. Identifiers: Orphanet 443909, MedGen C1333990, MONDO:0018630. Disease mechanism: loss of function.
Hereditary cancer-predisposing syndrome. Also called: Tumor predisposition; Neoplastic Syndromes, Hereditary; Hereditary neoplastic syndrome; Hereditary Cancer Syndrome. Identifiers: Orphanet 140162, MedGen C0027672, MeSH D009386, MONDO:0015356.
Familial cancer of breast. Also called: hereditary breast carcinoma; BREAST CANCER, FAMILIAL; Hereditary breast cancer. Identifiers: Orphanet 227535, MedGen C0346153, MONDO:0016419, OMIM 114480. Disease mechanism: loss of function.

Allele frequency attached by ClinVar (database versions not stated): gnomAD exomes 0.00002 and 0.00005; ExAC 0.00014.
gnomAD v4.1: 26 of 1,598,748 alleles (0.0016%); highest among the groups gnomAD compares: South Asian, 0.029%; no homozygotes.

Submissions (5):

Ambry Genetics
Classification: Likely benign for Hereditary cancer-predisposing syndrome. Last evaluated: 2025-11-25. Review status: criteria provided, single submitter. Criteria: Ambry Variant Classification Scheme 2023. Collection method: clinical testing. Allele origin: germline.

Labcorp Genetics (formerly Invitae), Labcorp
Classification: Likely benign for Familial cancer of breast. Last evaluated: 2025-10-12. Review status: criteria provided, single submitter. Criteria: Invitae Variant Classification Sherloc (09022015). Collection method: clinical testing. Allele origin: germline.

Department of Pathology and Laboratory Medicine, Sinai Health System
Classification: Likely benign for hereditary nonpolyposis colon cancer. Last evaluated: 2025-01-31. Review status: criteria provided, single submitter. Criteria: ACMG Guidelines, 2015. Collection method: clinical testing. Allele origin: germline.

Myriad Genetics, Inc.
Classification: Benign for Familial cancer of breast. Last evaluated: 2024-10-03. Review status: criteria provided, single submitter. Criteria: Myriad Autosomal Dominant, Autosomal Recessive and X-Linked Classification Criteria (2023). Collection method: clinical testing. Allele origin: unknown.
Comment: This variant is considered benign. This variant is a silent/synonymous amino acid change and it is not expected to impact splicing.

Color Diagnostics, LLC DBA Color Health
Classification: Likely benign for Hereditary cancer-predisposing syndrome. Last evaluated: 2017-11-30. Review status: criteria provided, single submitter. Criteria: ACMG Guidelines, 2015. Collection method: clinical testing. Allele origin: germline.